The following is an entry in ClinVar:

ClinVar aggregate classification (germline): Conflicting classifications of pathogenicity. Review status: criteria provided, conflicting classifications (1 of 4 stars). 4 submissions from 4 submitters: Uncertain significance (2); Likely benign (2). Last evaluated 2025-04-16.

Conditions:
Inborn genetic diseases. Identifiers: MedGen C0950123, MeSH D030342.
EEM syndrome (EEMS). Identifiers: Orphanet 1897, MedGen C1857041, MONDO:0009155, OMIM 225280.

Allele frequency attached by ClinVar (database versions not stated): ExAC 0.00006; ESP Exome Variant Server 0.00008; gnomAD exomes 0.00010 and 0.00021; TOPMed 0.00012; gnomAD 0.00015 and 0.00016.
gnomAD v4.1: 321 of 1,614,084 alleles (0.02%); highest among the groups gnomAD compares: Non-Finnish European, 0.025%; 1 homozygote.

Submissions (4):

Labcorp Genetics (formerly Invitae), Labcorp
Classification: Uncertain significance. Last evaluated: 2025-04-16. Review status: criteria provided, single submitter. Criteria: Invitae Variant Classification Sherloc (09022015). Collection method: clinical testing. Allele origin: germline.
Comment: This sequence change replaces valine, which is neutral and non-polar, with isoleucine, which is neutral and non-polar, at codon 447 of the CDH3 protein (p.Val447Ile). This variant is present in population databases (rs145160881, gnomAD 0.01%). This variant has not been reported in the literature in individuals affected with CDH3-related conditions. ClinVar contains an entry for this variant (Variation ID: 320239). An algorithm developed to predict the effect of missense changes on protein structure and function outputs the following: PolyPhen-2: "Benign". The isoleucine amino acid residue is found in multiple mammalian species, which suggests that this missense change does not adversely affect protein function. In summary, the available evidence is currently insufficient to determine the role of this variant in disease. Therefore, it has been classified as a Variant of Uncertain Significance.

Ambry Genetics
Classification: Likely benign for Inborn genetic diseases. Last evaluated: 2024-09-11. Review status: criteria provided, single submitter. Criteria: Ambry Variant Classification Scheme 2023. Collection method: clinical testing. Allele origin: germline.

Blueprint Genetics
Classification: Likely benign. Last evaluated: 2024-08-22. Review status: criteria provided, single submitter. Criteria: ACMG Guidelines, 2015. Collection method: clinical testing. Allele origin: germline.

Illumina Laboratory Services, Illumina
Classification: Uncertain significance for EEM syndrome. Last evaluated: 2018-01-13. Review status: criteria provided, single submitter. Criteria: ICSL Variant Classification Criteria 13 December 2019. Collection method: clinical testing. Allele origin: germline.

NM_001793.6(CDH3):c.1339G>A (p.Val447Ile)

Gene: CDH3 (cadherin 3; plus strand). Cytogenetic location: 16q22.1.
Variant type: single nucleotide variant.
Coding change: c.1339G>A on transcript NM_001793.6 (MANE Select); coding-DNA position 1339, G replaced by A.
Protein change: p.Val447Ile; replaces valine 447 with isoleucine.
Molecular consequence: missense variant.
Genome position (GRCh38, 1-based): chr16:68,684,739, G>A. VCF-style: chr16-68684739-G-A. GRCh37 (hg19) VCF-style: chr16-68718642-G-A.
Other names: c.1339G>A, p.Val447Ile (NM_001317195.3); c.1174G>A, p.Val392Ile (NM_001317196.2); short protein forms V447I, V392I.
Identifiers: ClinVar variation 320239 (VCV000320239.13), dbSNP rs145160881, ClinGen allele CA8129330.